The following is an entry in ClinVar:

ClinVar aggregate classification (germline): Likely benign (1 of 4 stars; one submission).

Allele frequency attached by ClinVar (database versions not stated): gnomAD exomes below 0.00001; TOPMed below 0.00001; gnomAD 0.00001; ExAC 0.00007.
gnomAD v4.1: 7 of 1,556,096 alleles (0.00045%); highest among the groups gnomAD compares: African/African-American, 0.0014%; no homozygotes.

Submission:

CeGaT Center for Human Genetics Tuebingen
Classification: Likely benign. Last evaluated: 2023-03-01. Review status: criteria provided, single submitter. Criteria: CeGaT Center For Human Genetics Tuebingen Variant Classification Criteria Version 2. Collection method: clinical testing. Allele origin: germline. Affected: yes. Observed: 1 variant allele.
Comment: EPB41L4A: BP4, BP7

NM_022140.5(EPB41L4A):c.309A>G (p.Pro103=)

Gene: EPB41L4A (erythrocyte membrane protein band 4.1 like 4A; minus strand). Cytogenetic location: 5q22.2.
Variant type: single nucleotide variant.
Coding change: c.309A>G on transcript NM_022140.5 (MANE Select); coding-DNA position 309, A replaced by G.
Protein change: p.Pro103=; no amino-acid change (proline 103 retained).
Molecular consequence: synonymous variant. On other transcripts: non-coding transcript variant (1).
Genome position (GRCh38, 1-based): chr5:112,275,352, T>C on the plus strand (A>G on the coding strand, the complement: EPB41L4A is on the minus strand). VCF-style: chr5-112275352-T-C. GRCh37 (hg19) VCF-style: chr5-111611049-T-C.
Other names: c.309A>G, p.Pro103= (NM_001347887.2, NM_001347888.2).
Identifiers: ClinVar variation 2655633 (VCV002655633.24), dbSNP rs745648092, ClinGen allele CA3367933.
Genomic context (GRCh38, chr5:112,275,352, plus strand): 5'-ATGTATCTGTTCAAAAACAAAGTCAATACTATACCTGGTTATTTCTTCTTTAAGTTTACA[T>C]GGATCTTCAGCATAGAATTTAATACCAAAATACAAAGTATATGGAGGTCCAGCTAAAATA-3'
Protein context (NP_071423.4, residues 93-113): YFGIKFYAED[Pro103=]CKLKEEITRY